The following is an entry in ClinVar:

NM_004393.6(DAG1):c.1444A>G (p.Thr482Ala)

Gene: DAG1 (dystroglycan 1; plus strand). Cytogenetic location: 3p21.31.
Variant type: single nucleotide variant.
Coding change: c.1444A>G on transcript NM_004393.6 (MANE Select); coding-DNA position 1444, A replaced by G.
Protein change: p.Thr482Ala; replaces threonine 482 with alanine.
Molecular consequence: missense variant.
Genome position (GRCh38, 1-based): chr3:49,531,955, A>G. VCF-style: chr3-49531955-A-G. GRCh37 (hg19) VCF-style: chr3-49569388-A-G.
Other names: c.1444A>G, p.Thr482Ala (NM_001165928.4, NM_001177634.3, NM_001177635.3 and 9 more transcripts); short protein forms T482A.
Identifiers: ClinVar variation 2139571 (VCV002139571.4), dbSNP rs1347952125, ClinGen allele CA352795393.

ClinVar aggregate classification (germline): Uncertain significance (1 of 4 stars; one submission).

Conditions:
Muscular dystrophy-dystroglycanopathy (congenital with brain and eye anomalies), type A9. Also called: WALKER-WARBURG SYNDROME OR MUSCLE-EYE BRAIN DISEASE, DAG1-RELATED; Muscular dystrophy-dystroglycanopathy (congenital with brain and eye anomalies), type a, 9. Identifiers: Orphanet 370997, Orphanet 899, MedGen C4225291, MONDO:0014683, OMIM 616538.
Autosomal recessive limb-girdle muscular dystrophy type 2P. Also called: Limb-Girdle Muscular Dystrophy Type 9C; MUSCULAR DYSTROPHY-DYSTROGLYCANOPATHY, LIMB-GIRDLE, DAG1-RELATED; MUSCULAR DYSTROPHY, LIMB-GIRDLE, TYPE 2P. Identifiers: Orphanet 280333, MedGen C4511963, MONDO:0013440, OMIM 613818.

Allele frequency attached by ClinVar (database versions not stated): gnomAD exomes 0.00001.
gnomAD v4.1: 11 of 1,614,126 alleles (0.00068%); highest among the groups gnomAD compares: East Asian, 0.0022%; no homozygotes.

Submission:

Labcorp Genetics (formerly Invitae), Labcorp
Classification: Uncertain significance for Autosomal recessive limb-girdle muscular dystrophy type 2P; Muscular dystrophy-dystroglycanopathy (congenital with brain and eye anomalies), type A9. Last evaluated: 2023-12-02. Review status: criteria provided, single submitter. Criteria: Invitae Variant Classification Sherloc (09022015). Collection method: clinical testing. Allele origin: germline.
Comment: This sequence change replaces threonine, which is neutral and polar, with alanine, which is neutral and non-polar, at codon 482 of the DAG1 protein (p.Thr482Ala). This variant is present in population databases (no rsID available, gnomAD 0.0009%). This variant has not been reported in the literature in individuals affected with DAG1-related conditions. ClinVar contains an entry for this variant (Variation ID: 2139571). Advanced modeling of protein sequence and biophysical properties (such as structural, functional, and spatial information, amino acid conservation, physicochemical variation, residue mobility, and thermodynamic stability) performed at Invitae indicates that this missense variant is not expected to disrupt DAG1 protein function with a negative predictive value of 80%. In summary, the available evidence is currently insufficient to determine the role of this variant in disease. Therefore, it has been classified as a Variant of Uncertain Significance.